The following is an entry in ClinVar:

ClinVar aggregate classification (germline): Uncertain significance (1 of 4 stars; one submission).

Conditions:
Tuberous sclerosis 2 (TSC2). Identifiers: Orphanet 805, MedGen C1860707, MONDO:0013199, OMIM 613254.

Submission:

Labcorp Genetics (formerly Invitae), Labcorp
Classification: Uncertain significance for Tuberous sclerosis 2. Last evaluated: 2024-10-03. Review status: criteria provided, single submitter. Criteria: Invitae Variant Classification Sherloc (09022015). Collection method: clinical testing. Allele origin: germline.
Comment: This sequence change replaces proline, which is neutral and non-polar, with histidine, which is basic and polar, at codon 878 of the TSC2 protein (p.Pro878His). This variant is not present in population databases (gnomAD no frequency). This variant has not been reported in the literature in individuals affected with TSC2-related conditions. ClinVar contains an entry for this variant (Variation ID: 405988). Invitae Evidence Modeling of protein sequence and biophysical properties (such as structural, functional, and spatial information, amino acid conservation, physicochemical variation, residue mobility, and thermodynamic stability) indicates that this missense variant is not expected to disrupt TSC2 protein function with a negative predictive value of 95%. In summary, the available evidence is currently insufficient to determine the role of this variant in disease. Therefore, it has been classified as a Variant of Uncertain Significance.

NM_000548.5(TSC2):c.2633C>A (p.Pro878His)

Gene: TSC2 (TSC complex subunit 2; plus strand). Cytogenetic location: 16p13.3.
Variant type: single nucleotide variant.
Coding change: c.2633C>A on transcript NM_000548.5 (MANE Select); coding-DNA position 2633, C replaced by A.
Protein change: p.Pro878His; replaces proline 878 with histidine.
Molecular consequence: missense variant.
Genome position (GRCh38, 1-based): chr16:2,075,886, C>A. VCF-style: chr16-2075886-C-A. GRCh37 (hg19) VCF-style: chr16-2125887-C-A.
Other names: c.2633C>A, p.Pro878His (NM_001077183.3, NM_001114382.3, NM_001363528.2 and 3 more transcripts); c.2522C>A, p.Pro841His (NM_001318827.2); c.2486C>A, p.Pro829His (NM_001318829.2); c.2033C>A, p.Pro678His (NM_001318831.2); c.2666C>A, p.Pro889His (NM_001318832.2); short protein forms P878H, P829H, P889H, P841H, P678H.
Identifiers: ClinVar variation 405988 (VCV000405988.8), dbSNP rs1060500925, ClinGen allele CA16615080.